The following is an entry in ClinVar:

NM_020070.4(IGLL1):c.409A>G (p.Met137Val)

Gene: IGLL1 (immunoglobulin lambda like polypeptide 1; minus strand). Cytogenetic location: 22q11.23.
Variant type: single nucleotide variant.
Coding change: c.409A>G on transcript NM_020070.4 (MANE Select); coding-DNA position 409, A replaced by G.
Protein change: p.Met137Val; replaces methionine 137 with valine.
Molecular consequence: missense variant. On other transcripts: 3 prime UTR variant (1).
Genome position (GRCh38, 1-based): chr22:23,573,499, T>C on the plus strand (A>G on the coding strand, the complement: IGLL1 is on the minus strand). VCF-style: chr22-23573499-T-C. GRCh37 (hg19) VCF-style: chr22-23915686-T-C.
Other names: c.412A>G, p.Met138Val (NM_001369906.1); c.*38A>G (NM_152855.3); short protein forms M137V, M138V.
Identifiers: ClinVar variation 2891922 (VCV002891922.3), dbSNP rs377009066, ClinGen allele CA10143283.

ClinVar aggregate classification (germline): Uncertain significance (1 of 4 stars; one submission).

Conditions:
Agammaglobulinemia 2, autosomal recessive (AGM2). Also called: AGAMMAGLOBULINEMIA, AUTOSOMAL RECESSIVE, DUE TO IGLL1 DEFECT. Identifiers: MedGen C3150750, MONDO:0013287, OMIM 613500.

Allele frequency attached by ClinVar (database versions not stated): gnomAD exomes below 0.00001; TOPMed below 0.00001; ExAC 0.00001; ESP Exome Variant Server 0.00008.

Submission:

Labcorp Genetics (formerly Invitae), Labcorp
Classification: Uncertain significance for Agammaglobulinemia 2, autosomal recessive. Last evaluated: 2022-12-06. Review status: criteria provided, single submitter. Criteria: Invitae Variant Classification Sherloc (09022015). Collection method: clinical testing. Allele origin: germline.
Comment: In summary, the available evidence is currently insufficient to determine the role of this variant in disease. Therefore, it has been classified as a Variant of Uncertain Significance. Algorithms developed to predict the effect of missense changes on protein structure and function (SIFT, PolyPhen-2, Align-GVGD) all suggest that this variant is likely to be tolerated. This variant has not been reported in the literature in individuals affected with IGLL1-related conditions. This variant is present in population databases (rs377009066, gnomAD 0.0009%). This sequence change replaces methionine, which is neutral and non-polar, with valine, which is neutral and non-polar, at codon 137 of the IGLL1 protein (p.Met137Val).